The following is an entry in ClinVar:

ClinVar aggregate classification (germline): Uncertain significance (1 of 4 stars; one submission).

Submission:

Labcorp Genetics (formerly Invitae), Labcorp
Classification: Uncertain significance. Last evaluated: 2025-04-08. Review status: criteria provided, single submitter. Criteria: Invitae Variant Classification Sherloc (09022015). Collection method: clinical testing. Allele origin: germline.
Comment: This sequence change replaces threonine, which is neutral and polar, with serine, which is neutral and polar, at codon 440 of the PRDM5 protein (p.Thr440Ser). This variant is not present in population databases (gnomAD no frequency). This variant has not been reported in the literature in individuals affected with PRDM5-related conditions. An algorithm developed to predict the effect of missense changes on protein structure and function (PolyPhen-2) suggests that this variant is likely to be disruptive. In summary, the available evidence is currently insufficient to determine the role of this variant in disease. Therefore, it has been classified as a Variant of Uncertain Significance.

NM_018699.4(PRDM5):c.1319C>G (p.Thr440Ser)

Gene: PRDM5 (PR/SET domain 5; minus strand). Cytogenetic location: 4q27.
Variant type: single nucleotide variant.
Coding change: c.1319C>G on transcript NM_018699.4 (MANE Select); coding-DNA position 1319, C replaced by G.
Protein change: p.Thr440Ser; replaces threonine 440 with serine.
Molecular consequence: missense variant.
Genome position (GRCh38, 1-based): chr4:120,781,267, G>C on the plus strand (C>G on the coding strand, the complement: PRDM5 is on the minus strand). VCF-style: chr4-120781267-G-C. GRCh37 (hg19) VCF-style: chr4-121702422-G-C.
Other names: c.1226C>G, p.Thr409Ser (NM_001300823.2, NM_001300824.2, NM_001379106.1); c.1352C>G, p.Thr451Ser (NM_001379104.1); short protein forms T409S, T440S, T451S.
Identifiers: ClinVar variation 4808007 (VCV004808007.1).